The following is an entry in ClinVar:

NM_000394.4(CRYAA):c.*93T>G

Gene: CRYAA (crystallin alpha A; plus strand). Cytogenetic location: 21q22.3.
Variant type: single nucleotide variant.
Coding change: c.*93T>G on transcript NM_000394.4 (MANE Select); 93 bases downstream of the stop codon, T replaced by G.
Molecular consequence: 3 prime UTR variant.
Genome position (GRCh38, 1-based): chr21:43,172,373, T>G. VCF-style: chr21-43172373-T-G. GRCh37 (hg19) VCF-style: chr21-44592483-T-G.
Other names: c.*93T>G (NM_001363766.1).
Identifiers: ClinVar variation 340104 (VCV000340104.9), dbSNP rs112855370, ClinGen allele CA10653011.

ClinVar aggregate classification (germline): Benign. Review status: criteria provided, multiple submitters, no conflicts (2 of 4 stars). 3 submissions from 3 submitters: Benign (3). Last evaluated 2018-07-27.

Conditions:
Cataract 9 multiple types. Also called: Cataract 9, multiple types, with or without microcornea; Cataract, autosomal recessive congenital 1. Identifiers: Orphanet 1377, MedGen C1858679, MONDO:0011413, OMIM 604219.

Allele frequency attached by ClinVar (database versions not stated): gnomAD 0.07095; 1000 Genomes Project 0.10623.

Submissions (3):

GeneDx
Classification: Benign. Last evaluated: 2018-07-27. Review status: criteria provided, single submitter. Criteria: GeneDx Variant Classification Process June 2021. Collection method: clinical testing. Allele origin: germline. Affected: yes.

Illumina Laboratory Services, Illumina
Classification: Benign for Cataract 9 multiple types. Last evaluated: 2018-01-13. Review status: criteria provided, single submitter. Criteria: ICSL Variant Classification Criteria 13 December 2019. Collection method: clinical testing. Allele origin: germline.
Comment: This variant was observed in the ICSL laboratory as part of a predisposition screen in an ostensibly healthy population. It had not been previously curated by ICSL or reported in the Human Gene Mutation Database (HGMD: prior to June 1st, 2018), and was therefore a candidate for classification through an automated scoring system. Utilizing variant allele frequency, disease prevalence and penetrance estimates, and inheritance mode, an automated score was calculated to assess if this variant is too frequent to cause the disease. Based on the score and internal cut-off values, a variant classified as benign is not then subjected to further curation. The score for this variant resulted in a classification of benign for this disease.

Breakthrough Genomics
Classification: Benign. Review status: criteria provided, single submitter. Criteria: ACMG Guidelines, 2015. Collection method: not provided. Allele origin: germline. Inheritance: Autosomal dominant inheritance. Affected: yes.